The following is an entry in ClinVar:

ClinVar aggregate classification (germline): Uncertain significance. Review status: criteria provided, multiple submitters, no conflicts (2 of 4 stars). 2 submissions from 2 submitters: Uncertain significance (2). Last evaluated 2025-07-16.

Conditions:
Steel syndrome (STLS). Identifiers: Orphanet 438117, MedGen C3554594, MONDO:0014061, OMIM 615155.

Allele frequency attached by ClinVar (database versions not stated): ExAC 0.00002; TOPMed 0.00002; gnomAD exomes 0.00003 and 0.00005; gnomAD 0.00004; ESP Exome Variant Server 0.00008.
gnomAD v4.1: 75 of 1,613,406 alleles (0.0046%); highest among the groups gnomAD compares: Admixed American, 0.01%; no homozygotes.

Submissions (2):

Labcorp Genetics (formerly Invitae), Labcorp
Classification: Uncertain significance. Last evaluated: 2025-07-16. Review status: criteria provided, single submitter. Criteria: Invitae Variant Classification Sherloc (09022015). Collection method: clinical testing. Allele origin: germline.
Comment: This sequence change replaces arginine, which is basic and polar, with tryptophan, which is neutral and slightly polar, at codon 81 of the COL27A1 protein (p.Arg81Trp). This variant is present in population databases (rs143398547, gnomAD 0.009%). This variant has not been reported in the literature in individuals affected with COL27A1-related conditions. ClinVar contains an entry for this variant (Variation ID: 547982). Invitae Evidence Modeling of protein sequence and biophysical properties (such as structural, functional, and spatial information, amino acid conservation, physicochemical variation, residue mobility, and thermodynamic stability) indicates that this missense variant is not expected to disrupt COL27A1 protein function with a negative predictive value of 95%. In summary, the available evidence is currently insufficient to determine the role of this variant in disease. Therefore, it has been classified as a Variant of Uncertain Significance.

Mayo Clinic Laboratories, Mayo Clinic
Classification: Uncertain significance for Steel syndrome. Last evaluated: 2017-06-28. Review status: criteria provided, single submitter. Criteria: ACMG Guidelines, 2015. Collection method: clinical testing. Allele origin: de novo.

NM_032888.4(COL27A1):c.241C>T (p.Arg81Trp)

Gene: COL27A1 (collagen type XXVII alpha 1 chain; plus strand). Cytogenetic location: 9q32.
Variant type: single nucleotide variant.
Coding change: c.241C>T on transcript NM_032888.4 (MANE Select); coding-DNA position 241, C replaced by T.
Protein change: p.Arg81Trp; replaces arginine 81 with tryptophan.
Molecular consequence: missense variant.
Genome position (GRCh38, 1-based): chr9:114,167,796, C>T. VCF-style: chr9-114167796-C-T. GRCh37 (hg19) VCF-style: chr9-116930076-C-T.
Other names: short protein forms R81W.
Identifiers: ClinVar variation 547982 (VCV000547982.8), dbSNP rs143398547, ClinGen allele CA5201084.